The following is an entry in ClinVar:

ClinVar aggregate classification (germline): Pathogenic (1 of 4 stars; one submission).

Conditions:
Neuromuscular disease caused by qualitative or quantitative defects of dystrophin. Also called: Qualitative or quantitative defects of dystrophin. Identifiers: Orphanet 207085, MedGen C5679787, MONDO:0016147.

Submission:

Women's Health and Genetics/Laboratory Corporation of America, LabCorp
Classification: Pathogenic for Neuromuscular disease caused by qualitative or quantitative defects of dystrophin. Last evaluated: 2025-02-10. Review status: criteria provided, single submitter. Criteria: LabCorp Variant Classification Summary - May 2015. Collection method: clinical testing. Allele origin: germline.
Comment: Variant summary: DMD c.3369dupT (p.Ala1124CysfsX5) results in a premature termination codon, predicted to cause a truncation of the encoded protein or absence of the protein due to nonsense mediated decay, which are commonly known mechanisms for disease. The variant was absent in 172127 control chromosomes. To our knowledge, no occurrence of c.3369dupT in individuals affected with Dystrophinopathies and no experimental evidence demonstrating its impact on protein function have been reported. No submitters have cited clinical-significance assessments for this variant to ClinVar. Based on the evidence outlined above, the variant was classified as pathogenic.

NM_004006.3(DMD):c.3369dup (p.Ala1124fs)

Gene: DMD (dystrophin; minus strand). Cytogenetic location: Xp21.1.
Variant type: Duplication.
Coding change: c.3369dup on transcript NM_004006.3 (MANE Select); coding-DNA position 3369, one base duplicated (T; older notation c.3369dupT).
Protein change: p.Ala1124fs; shifts the reading frame from alanine 1124.
Molecular consequence: frameshift variant.
Genome position (GRCh38, 1-based): chrX:32,463,502, A duplicated on the plus strand (T on the coding strand, the reverse complement: DMD is on the minus strand); the first of 3 consecutive A bases (chrX:32,463,502-32,463,504); duplicating any one gives the same sequence. VCF-style (leftmost placement, unchanged base first): chrX-32463501-C-CA. GRCh37 (hg19) VCF-style: chrX-32481618-C-CA.
Other names: c.3345dup, p.Ala1116fs (NM_000109.4); c.3357dup, p.Ala1120fs (NM_004009.3); c.3000dup, p.Ala1001fs (NM_004010.3); c.3369dupT (NM_004006.3); short protein forms A1001fs, A1116fs, A1120fs, A1124fs.
Identifiers: ClinVar variation 3768657 (VCV003768657.1).